The following is an entry in ClinVar:

ClinVar aggregate classification (germline): Uncertain significance (1 of 4 stars; one submission).

Conditions:
Hereditary cancer-predisposing syndrome. Also called: Neoplastic Syndromes, Hereditary; Tumor predisposition; Hereditary Cancer Syndrome; Hereditary neoplastic syndrome. Identifiers: Orphanet 140162, MedGen C0027672, MeSH D009386, MONDO:0015356.

Submission:

Ambry Genetics
Classification: Uncertain significance for Hereditary cancer-predisposing syndrome. Last evaluated: 2022-09-28. Review status: criteria provided, single submitter. Criteria: Ambry Variant Classification Scheme 2023. Collection method: clinical testing. Allele origin: germline.
Comment: The p.L418Q variant (also known as c.1253T>A), located in coding exon 8 of the PDGFRA gene, results from a T to A substitution at nucleotide position 1253. The leucine at codon 418 is replaced by glutamine, an amino acid with dissimilar properties. This amino acid position is conserved. In addition, this alteration is predicted to be tolerated by in silico analysis. Since supporting evidence is limited at this time, the clinical significance of this alteration remains unclear.

NM_006206.6(PDGFRA):c.1253T>A (p.Leu418Gln)

Gene: PDGFRA (platelet derived growth factor receptor alpha; plus strand). Cytogenetic location: 4q12.
Variant type: single nucleotide variant.
Coding change: c.1253T>A on transcript NM_006206.6 (MANE Select); coding-DNA position 1253, T replaced by A.
Protein change: p.Leu418Gln; replaces leucine 418 with glutamine.
Molecular consequence: missense variant.
Genome position (GRCh38, 1-based): chr4:54,272,409, T>A. VCF-style: chr4-54272409-T-A. GRCh37 (hg19) VCF-style: chr4-55138576-T-A.
Other names: c.1253T>A, p.Leu418Gln (NM_001347827.2, NM_001347829.2); c.1328T>A, p.Leu443Gln (NM_001347828.2); c.1292T>A, p.Leu431Gln (NM_001347830.2); short protein forms L418Q, L443Q, L431Q.
Identifiers: ClinVar variation 1761304 (VCV001761304.2), dbSNP rs2475481572, ClinGen allele CA356892165.